The following is an entry in ClinVar:

ClinVar aggregate classification (germline): Uncertain significance (1 of 4 stars; one submission).

Submission:

Laboratorio de Genetica e Diagnostico Molecular, Hospital Israelita Albert Einstein
Classification: Uncertain significance. Last evaluated: 2020-04-04. Review status: criteria provided, single submitter. Criteria: ACMG Guidelines, 2015. Collection method: clinical testing. Allele origin: germline. Affected: yes.
Comment: ACMG classification criteria: PM2, BP4

NM_003900.5(SQSTM1):c.14C>A (p.Thr5Asn)

Gene: SQSTM1 (sequestosome 1; plus strand). Cytogenetic location: 5q35.3.
Variant type: single nucleotide variant.
Coding change: c.14C>A on transcript NM_003900.5 (MANE Select); coding-DNA position 14, C replaced by A.
Protein change: p.Thr5Asn; replaces threonine 5 with asparagine.
Molecular consequence: missense variant. On other transcripts: intron variant (2).
Genome position (GRCh38, 1-based): chr5:179,820,950, C>A. VCF-style: chr5-179820950-C-A. GRCh37 (hg19) VCF-style: chr5-179247950-C-A.
Other names: c.-47-2008C>A (NM_001142298.2, NM_001142299.2); short protein forms T5N.
Identifiers: ClinVar variation 1690854 (VCV001690854.2), dbSNP rs1050354862, ClinGen allele CA362442012.